The following is an entry in ClinVar:

NM_016648.4(LARP7):c.10G>A (p.Glu4Lys)

Gene: LARP7 (La ribonucleoprotein 7, transcriptional regulator; plus strand). Cytogenetic location: 4q25.
Variant type: single nucleotide variant.
Coding change: c.10G>A on transcript NM_016648.4 (MANE Select); coding-DNA position 10, G replaced by A.
Protein change: p.Glu4Lys; replaces glutamic acid 4 with lysine.
Molecular consequence: missense variant. On other transcripts: 5 prime UTR variant (2).
Genome position (GRCh38, 1-based): chr4:112,644,679, G>A. VCF-style: chr4-112644679-G-A. GRCh37 (hg19) VCF-style: chr4-113565835-G-A.
Other names: c.10G>A, p.Glu4Lys (NM_001267039.4, NM_001370974.1, NM_001370975.1 and 6 more transcripts); c.-125G>A (NM_001370981.1, NM_001370982.1); short protein forms E4K.
Identifiers: ClinVar variation 129478 (VCV000129478.14), dbSNP rs79383654, ClinGen allele CA153522.

ClinVar aggregate classification (germline): Benign. Review status: criteria provided, multiple submitters, no conflicts (2 of 4 stars). 3 submissions from 3 submitters: Benign (2). 1 of the submissions does not count toward it. Last evaluated 2026-02-03.

Allele frequency attached by ClinVar (database versions not stated): ESP Exome Variant Server 0.03086; gnomAD 0.03982 and 0.03552; TOPMed 0.04025; ExAC 0.06270; 1000 Genomes Project 30x 0.06980; gnomAD exomes 0.04618 and 0.06025; 1000 Genomes Project 0.07169.
gnomAD v4.1: 73,112 of 1,600,186 alleles (4.6%); highest among the groups gnomAD compares: East Asian, 18%; 2,529 homozygotes.

Submissions (3):

Labcorp Genetics (formerly Invitae), Labcorp
Classification: Benign. Last evaluated: 2026-02-03. Review status: criteria provided, single submitter. Criteria: Invitae Variant Classification Sherloc (09022015). Collection method: clinical testing. Allele origin: germline.

Breakthrough Genomics
Classification: Benign. Review status: criteria provided, single submitter. Criteria: ACMG Guidelines, 2015. Collection method: not provided. Allele origin: germline. Inheritance: Autosomal recessive inheritance. Affected: yes.

Genetic Services Laboratory, University of Chicago
Classification: Likely benign for AllHighlyPenetrant. Review status: no assertion criteria provided. Collection method: clinical testing. Allele origin: germline. Inheritance: Autosomal recessive inheritance. Not counted in ClinVar's aggregate classification.
Comment: Likely benign based on allele frequency in 1000 Genomes Project or ESP global frequency and its presence in a patient with a rare or unrelated disease phenotype. NOT Sanger confirmed.